The following is an entry in ClinVar:

NC_000005.9:g.(?_138266509)_(138269778_?)dup

Gene: CTNNA1 (catenin alpha 1; plus strand). Cytogenetic location: 5q31.2.
Variant type: Duplication.
Identifiers: ClinVar variation 1410531 (VCV001410531.4).

ClinVar aggregate classification (germline): Uncertain significance (1 of 4 stars; one submission).

Submission:

Labcorp Genetics (formerly Invitae), Labcorp
Classification: Uncertain significance. Last evaluated: 2021-07-21. Review status: criteria provided, single submitter. Criteria: Invitae Variant Classification Sherloc (09022015). Collection method: clinical testing. Allele origin: germline.
Comment: In summary, the available evidence is currently insufficient to determine the role of this variant in disease. Therefore, it has been classified as a Variant of Uncertain Significance. Experimental studies and prediction algorithms are not available or were not evaluated, and the functional significance of this variant is currently unknown. This variant has not been reported in the literature in individuals affected with CTNNA1-related conditions. This variant results in a copy number gain of the genomic region encompassing exon(s) 16-18 of the CTNNA1 gene. The 5' boundary is likely confined to intron 15. The 3' end of this event is unknown as it extends beyond the assayed region for this gene and therefore may encompass additional genes. As the precise location of this event is unknown, it may be in tandem or it may be located elsewhere in the genome.